The following is an entry in ClinVar:

NM_000426.4(LAMA2):c.8647G>T (p.Gly2883Ter)

Gene: LAMA2 (laminin subunit alpha 2; plus strand). Cytogenetic location: 6q22.33.
Variant type: single nucleotide variant.
Coding change: c.8647G>T on transcript NM_000426.4 (MANE Select); coding-DNA position 8647, G replaced by T.
Protein change: p.Gly2883Ter; replaces glycine 2883 with a stop codon.
Molecular consequence: nonsense.
Genome position (GRCh38, 1-based): chr6:129,505,299, G>T. VCF-style: chr6-129505299-G-T. GRCh37 (hg19) VCF-style: chr6-129826444-G-T.
Other names: c.8635G>T, p.Gly2879Ter (NM_001079823.2); short protein forms G2879*, G2883*.
Identifiers: ClinVar variation 1459006 (VCV001459006.6), dbSNP rs2114900886, ClinGen allele CA365634922.
Genomic context (GRCh38, chr6:129,505,299, plus strand): 5'-GTAGATGGGGCTTCCAACAGAACCATCAGTCCCAAAAAAGCCGACATCCTGGATGTCGTG[G>T]GAATGCTGTATGTTGGTGGGTTACCCATCAACTACACTACCCGAAGAATTGGTCCAGTAA-3'

ClinVar aggregate classification (germline): Pathogenic (1 of 4 stars; one submission).

Conditions:
LAMA2-related muscular dystrophy (LAMA2-RD). Also called: Laminin alpha 2-related dystrophy. Identifiers: MedGen C5679788, MONDO:0100228.

Submission:

Labcorp Genetics (formerly Invitae), Labcorp
Classification: Pathogenic for LAMA2-related muscular dystrophy. Last evaluated: 2021-08-17. Review status: criteria provided, single submitter. Criteria: Invitae Variant Classification Sherloc (09022015). Collection method: clinical testing. Allele origin: germline.
Comment: This sequence change creates a premature translational stop signal (p.Gly2883*) in the LAMA2 gene. It is expected to result in an absent or disrupted protein product. Loss-of-function variants in LAMA2 are known to be pathogenic (PMID: 18700894). This variant is not present in population databases (ExAC no frequency). This variant has not been reported in the literature in individuals affected with LAMA2-related conditions. For these reasons, this variant has been classified as Pathogenic.

Literature cited by the submitters: PubMed 18700894.